The following is an entry in ClinVar:

ClinVar aggregate classification (germline): Uncertain significance (1 of 4 stars; one submission).

Conditions:
Treacher Collins syndrome 1 (TCS1). Also called: TCOF1-Related Treacher Collins Syndrome. Identifiers: Orphanet 861, MedGen CN315775, MONDO:0007944, OMIM 154500.

Submission:

Labcorp Genetics (formerly Invitae), Labcorp
Classification: Uncertain significance for Treacher Collins syndrome 1. Last evaluated: 2023-09-24. Review status: criteria provided, single submitter. Criteria: Invitae Variant Classification Sherloc (09022015). Collection method: clinical testing. Allele origin: germline.
Comment: In summary, the available evidence is currently insufficient to determine the role of this variant in disease. Therefore, it has been classified as a Variant of Uncertain Significance. An algorithm developed to predict the effect of missense changes on protein structure and function (PolyPhen-2) suggests that this variant is likely to be tolerated. This missense change has been observed in at least one individual who was not affected with TCOF1-related conditions (Invitae). This sequence change replaces proline, which is neutral and non-polar, with alanine, which is neutral and non-polar, at codon 103 of the TCOF1 protein (p.Pro103Ala). This variant is not present in population databases (gnomAD no frequency). This variant has not been reported in the literature in individuals affected with TCOF1-related conditions.

NM_001371623.1(TCOF1):c.307C>G (p.Pro103Ala)

Gene: TCOF1 (treacle ribosome biogenesis factor 1; plus strand). Cytogenetic location: 5q32.
Variant type: single nucleotide variant.
Coding change: c.307C>G on transcript NM_001371623.1 (MANE Select); coding-DNA position 307, C replaced by G.
Protein change: p.Pro103Ala; replaces proline 103 with alanine.
Molecular consequence: missense variant.
Genome position (GRCh38, 1-based): chr5:150,367,846, C>G. VCF-style: chr5-150367846-C-G. GRCh37 (hg19) VCF-style: chr5-149747409-C-G.
Other names: c.307C>G, p.Pro103Ala (NM_000356.4, NM_001008657.3, NM_001135243.2 and 3 more transcripts); short protein forms P103A.
Identifiers: ClinVar variation 2798601 (VCV002798601.3), dbSNP rs2533013932, ClinGen allele CA361733120.